The following is an entry in ClinVar:

NM_001852.4(COL9A2):c.899C>T (p.Thr300Met)

Gene: COL9A2 (collagen type IX alpha 2 chain; minus strand). Cytogenetic location: 1p34.2.
Variant type: single nucleotide variant.
Coding change: c.899C>T on transcript NM_001852.4 (MANE Select); coding-DNA position 899, C replaced by T.
Protein change: p.Thr300Met; replaces threonine 300 with methionine.
Molecular consequence: missense variant.
Genome position (GRCh38, 1-based): chr1:40,308,193, G>A on the plus strand (C>T on the coding strand, the complement: COL9A2 is on the minus strand). VCF-style: chr1-40308193-G-A. GRCh37 (hg19) VCF-style: chr1-40773865-G-A.
Other names: short protein forms T300M.
Identifiers: ClinVar variation 2481855 (VCV002481855.7), dbSNP rs756099117, ClinGen allele CA791695.

ClinVar aggregate classification (germline): Conflicting classifications of pathogenicity. Review status: criteria provided, conflicting classifications (1 of 4 stars). 4 submissions from 4 submitters: Uncertain significance (3); Likely benign (1). Last evaluated 2026-07-01.

Conditions:
Inborn genetic diseases. Identifiers: MedGen C0950123, MeSH D030342.

Allele frequency attached by ClinVar (database versions not stated): gnomAD exomes 0.00001; TOPMed 0.00001; ExAC 0.00002.
gnomAD v4.1: 13 of 1,614,072 alleles (0.00081%); highest among the groups gnomAD compares: East Asian, 0.0089%; 1 homozygote.

Submissions (4):

CeGaT Center for Human Genetics Tuebingen
Classification: Likely benign. Last evaluated: 2026-07-01. Review status: criteria provided, single submitter. Criteria: CeGaT Center For Human Genetics Tuebingen Variant Classification Criteria Version 2. Collection method: clinical testing. Allele origin: germline. Affected: yes. Observed: 1 variant allele.
Comment: COL9A2: BS2

Labcorp Genetics (formerly Invitae), Labcorp
Classification: Uncertain significance. Last evaluated: 2024-10-31. Review status: criteria provided, single submitter. Criteria: Invitae Variant Classification Sherloc (09022015). Collection method: clinical testing. Allele origin: germline.
Comment: This sequence change replaces threonine, which is neutral and polar, with methionine, which is neutral and non-polar, at codon 300 of the COL9A2 protein (p.Thr300Met). This variant is present in population databases (rs756099117, gnomAD 0.02%), including at least one homozygous and/or hemizygous individual. This variant has not been reported in the literature in individuals affected with COL9A2-related conditions. ClinVar contains an entry for this variant (Variation ID: 2481855). An algorithm developed to predict the effect of missense changes on protein structure and function (PolyPhen-2) suggests that this variant is likely to be disruptive. In summary, the available evidence is currently insufficient to determine the role of this variant in disease. Therefore, it has been classified as a Variant of Uncertain Significance.

Ambry Genetics
Classification: Uncertain significance for Inborn genetic diseases. Last evaluated: 2023-02-07. Review status: criteria provided, single submitter. Criteria: Ambry Variant Classification Scheme 2023. Collection method: clinical testing. Allele origin: germline.

Blueprint Genetics
Classification: Uncertain significance. Last evaluated: 2019-11-04. Review status: criteria provided, single submitter. Criteria: ACMG Guidelines, 2015. Collection method: clinical testing. Allele origin: germline.